The following is an entry in ClinVar:

ClinVar aggregate classification (germline): Uncertain significance (1 of 4 stars; one submission).

Submission:

Labcorp Genetics (formerly Invitae), Labcorp
Classification: Uncertain significance. Last evaluated: 2023-12-18. Review status: criteria provided, single submitter. Criteria: Invitae Variant Classification Sherloc (09022015). Collection method: clinical testing. Allele origin: germline.
Comment: This sequence change falls in intron 3 of the TNFAIP3 gene. It does not directly change the encoded amino acid sequence of the TNFAIP3 protein. It affects a nucleotide within the consensus splice site. This variant is not present in population databases (gnomAD no frequency). This variant has not been reported in the literature in individuals affected with TNFAIP3-related conditions. Variants that disrupt the consensus splice site are a relatively common cause of aberrant splicing (PMID: 17576681, 9536098). Algorithms developed to predict the effect of sequence changes on RNA splicing suggest that this variant is not likely to affect RNA splicing. In summary, the available evidence is currently insufficient to determine the role of this variant in disease. Therefore, it has been classified as a Variant of Uncertain Significance.

Literature cited by the submitters: PubMed 17576681; PubMed 9536098.

NM_001270508.2(TNFAIP3):c.486+6T>A

Gene: TNFAIP3 (TNF alpha induced protein 3; plus strand). Cytogenetic location: 6q23.3.
Variant type: single nucleotide variant.
Coding change: c.486+6T>A on transcript NM_001270508.2 (MANE Select); 6 bases into the intron after coding-DNA position 486, T replaced by A.
Molecular consequence: intron variant.
Genome position (GRCh38, 1-based): chr6:137,875,041, T>A. VCF-style: chr6-137875041-T-A. GRCh37 (hg19) VCF-style: chr6-138196178-T-A.
Other names: c.486+6T>A (NM_001270507.2, NM_006290.4).
Identifiers: ClinVar variation 2965287 (VCV002965287.3), dbSNP rs2114479182, ClinGen allele CA2713245382.